The following is an entry in ClinVar:

ClinVar aggregate classification (germline): Uncertain significance (1 of 4 stars; one submission).

Allele frequency attached by ClinVar (database versions not stated): TOPMed 0.00001.

Submission:

Labcorp Genetics (formerly Invitae), Labcorp
Classification: Uncertain significance. Last evaluated: 2023-12-06. Review status: criteria provided, single submitter. Criteria: Invitae Variant Classification Sherloc (09022015). Collection method: clinical testing. Allele origin: germline.
Comment: This sequence change replaces leucine, which is neutral and non-polar, with valine, which is neutral and non-polar, at codon 411 of the SH3KBP1 protein (p.Leu411Val). This variant is not present in population databases (gnomAD no frequency). This variant has not been reported in the literature in individuals affected with SH3KBP1-related conditions. ClinVar contains an entry for this variant (Variation ID: 1481052). Advanced modeling of protein sequence and biophysical properties (such as structural, functional, and spatial information, amino acid conservation, physicochemical variation, residue mobility, and thermodynamic stability) performed at Invitae indicates that this missense variant is not expected to disrupt SH3KBP1 protein function with a negative predictive value of 80%. In summary, the available evidence is currently insufficient to determine the role of this variant in disease. Therefore, it has been classified as a Variant of Uncertain Significance.

NM_031892.3(SH3KBP1):c.1231C>G (p.Leu411Val)

Gene: SH3KBP1 (SH3 domain containing kinase binding protein 1; minus strand). Cytogenetic location: Xp22.12.
Variant type: single nucleotide variant.
Coding change: c.1231C>G on transcript NM_031892.3 (MANE Select); coding-DNA position 1231, C replaced by G.
Protein change: p.Leu411Val; replaces leucine 411 with valine.
Molecular consequence: missense variant.
Genome position (GRCh38, 1-based): chrX:19,588,710, G>C on the plus strand (C>G on the coding strand, the complement: SH3KBP1 is on the minus strand). VCF-style: chrX-19588710-G-C. GRCh37 (hg19) VCF-style: chrX-19606828-G-C.
Other names: c.1120C>G, p.Leu374Val (NM_001024666.3); c.517C>G, p.Leu173Val (NM_001184960.2, NM_001353897.2); c.1231C>G, p.Leu411Val (NM_001353890.2); c.1306C>G, p.Leu436Val (NM_001353891.2, NM_001353892.2); c.1129C>G, p.Leu377Val (NM_001353893.2, NM_001353894.2); c.1186C>G, p.Leu396Val (NM_001353895.2); short protein forms L396V, L411V, L374V, L436V, L173V, L377V.
Identifiers: ClinVar variation 1481052 (VCV001481052.6), dbSNP rs2066646945, ClinGen allele CA412499550.